The following is an entry in ClinVar:

ClinVar aggregate classification (germline): Uncertain significance (1 of 4 stars; one submission).

Allele frequency attached by ClinVar (database versions not stated): gnomAD exomes 0.00001 and 0.00002; gnomAD 0.00003; ExAC 0.00004; TOPMed 0.00006; ESP Exome Variant Server 0.00015; 1000 Genomes Project 0.00020; 1000 Genomes Project 30x 0.00031.
gnomAD v4.1: 10 of 1,614,232 alleles (0.00062%); highest among the groups gnomAD compares: African/African-American, 0.013%; no homozygotes.

Submission:

Labcorp Genetics (formerly Invitae), Labcorp
Classification: Uncertain significance. Last evaluated: 2023-08-04. Review status: criteria provided, single submitter. Criteria: Invitae Variant Classification Sherloc (09022015). Collection method: clinical testing. Allele origin: germline.
Comment: In summary, the available evidence is currently insufficient to determine the role of this variant in disease. Therefore, it has been classified as a Variant of Uncertain Significance. An algorithm developed to predict the effect of missense changes on protein structure and function (PolyPhen-2) suggests that this variant is likely to be tolerated. ClinVar contains an entry for this variant (Variation ID: 1430733). This variant has not been reported in the literature in individuals affected with AGBL5-related conditions. This variant is present in population databases (rs141261606, gnomAD 0.03%). This sequence change replaces alanine, which is neutral and non-polar, with valine, which is neutral and non-polar, at codon 648 of the AGBL5 protein (p.Ala648Val).

NM_021831.6(AGBL5):c.1943C>T (p.Ala648Val)

Gene: AGBL5 (AGBL carboxypeptidase 5; plus strand). Cytogenetic location: 2p23.3.
Variant type: single nucleotide variant.
Coding change: c.1943C>T on transcript NM_021831.6 (MANE Select); coding-DNA position 1943, C replaced by T.
Protein change: p.Ala648Val; replaces alanine 648 with valine.
Molecular consequence: missense variant. On other transcripts: non-coding transcript variant (2).
Genome position (GRCh38, 1-based): chr2:27,059,258, C>T. VCF-style: chr2-27059258-C-T. GRCh37 (hg19) VCF-style: chr2-27282126-C-T.
Other names: c.1943C>T, p.Ala648Val (NM_001035507.3); short protein forms A648V.
Identifiers: ClinVar variation 1430733 (VCV001430733.6), dbSNP rs141261606, ClinGen allele CA1568021.